The following is an entry in ClinVar:

NM_001379081.2(FREM1):c.3925del (p.Glu1309fs)

Gene: FREM1 (FRAS1 related extracellular matrix 1; minus strand). Cytogenetic location: 9p22.3.
Variant type: Deletion.
Coding change: c.3925del on transcript NM_001379081.2 (MANE Select); coding-DNA position 3925, one base deleted (G; older notation c.3925delG).
Protein change: p.Glu1309fs; shifts the reading frame from glutamic acid 1309.
Molecular consequence: frameshift variant. On other transcripts: non-coding transcript variant (2).
Genome position (GRCh38, 1-based): chr9:14,792,799, C deleted on the plus strand (G on the coding strand, the reverse complement: FREM1 is on the minus strand); the first of 3 consecutive C bases (chr9:14,792,799-14,792,801); deleting any one gives the same sequence. VCF-style (leftmost placement, unchanged base first): chr9-14792798-TC-T. GRCh37 (hg19) VCF-style: chr9-14792796-TC-T.
Other names: c.3925del, p.Glu1309fs (NM_144966.7); c.3925delG (NM_144966.5); short protein forms E1309fs.
Identifiers: ClinVar variation 504423 (VCV000504423.5), dbSNP rs773469926, ClinGen allele CA4990367.

ClinVar aggregate classification (germline): Pathogenic/Likely pathogenic. Review status: criteria provided, multiple submitters, no conflicts (2 of 4 stars). 2 submissions from 2 submitters: Pathogenic (1); Likely pathogenic (1). Last evaluated 2025-05-08.

Conditions:
Oculotrichoanal syndrome (MOTA). Also called: Manitoba Oculotrichoanal (MOTA) Syndrome; MARLES SYNDROME. Identifiers: Orphanet 2717, MedGen C1855425, MONDO:0009560, OMIM 248450.

Submissions (2):

GeneDx
Classification: Pathogenic. Last evaluated: 2025-05-08. Review status: criteria provided, single submitter. Criteria: GeneDx Variant Classification Process June 2021. Collection method: clinical testing. Allele origin: germline. Affected: yes.
Comment: Frameshift variant predicted to result in protein truncation or nonsense mediated decay in a gene for which loss of function is a known mechanism of disease; Has not been previously published as pathogenic or benign to our knowledge

Neuberg Centre For Genomic Medicine, NCGM
Classification: Likely pathogenic for Oculotrichoanal syndrome. Review status: criteria provided, single submitter. Criteria: ACMG Guidelines, 2015. Collection method: clinical testing. Allele origin: germline. Inheritance: Autosomal recessive inheritance. Affected: yes.